The following is an entry in ClinVar:

NM_005883.3(APC2):c.2761A>G (p.Ser921Gly)

Gene: APC2 (APC regulator of Wnt signaling pathway 2; plus strand). Cytogenetic location: 19p13.3.
Variant type: single nucleotide variant.
Coding change: c.2761A>G on transcript NM_005883.3 (MANE Select); coding-DNA position 2761, A replaced by G.
Protein change: p.Ser921Gly; replaces serine 921 with glycine.
Molecular consequence: missense variant.
Genome position (GRCh38, 1-based): chr19:1,466,062, A>G. VCF-style: chr19-1466062-A-G. GRCh37 (hg19) VCF-style: chr19-1466061-A-G.
Other names: c.2758A>G, p.Ser920Gly (NM_001351273.1); short protein forms S920G, S921G.
Identifiers: ClinVar variation 1331202 (VCV001331202.5), dbSNP rs201308289, ClinGen allele CA9045529.

ClinVar aggregate classification (germline): Uncertain significance. Review status: criteria provided, multiple submitters, no conflicts (2 of 4 stars). 3 submissions from 3 submitters: Uncertain significance (3). Last evaluated 2025-07-01.

Conditions:
Inborn genetic diseases. Identifiers: MedGen C0950123, MeSH D030342.

Allele frequency attached by ClinVar (database versions not stated): gnomAD 0.00037 and 0.00038; TOPMed 0.00037; gnomAD exomes 0.00040 and 0.00087; ExAC 0.00061; ESP Exome Variant Server 0.00087.
gnomAD v4.1: 1,208 of 1,516,610 alleles (0.08%); highest among the groups gnomAD compares: Non-Finnish European, 0.099%; 2 homozygotes.

Submissions (3):

Ambry Genetics
Classification: Uncertain significance for Inborn genetic diseases. Last evaluated: 2025-07-01. Review status: criteria provided, single submitter. Criteria: Ambry Variant Classification Scheme 2023. Collection method: clinical testing. Allele origin: germline.

Labcorp Genetics (formerly Invitae), Labcorp
Classification: Uncertain significance. Last evaluated: 2025-01-13. Review status: criteria provided, single submitter. Criteria: Invitae Variant Classification Sherloc (09022015). Collection method: clinical testing. Allele origin: germline.
Comment: This sequence change replaces serine, which is neutral and polar, with glycine, which is neutral and non-polar, at codon 921 of the APC2 protein (p.Ser921Gly). This variant is present in population databases (rs201308289, gnomAD 0.1%). This variant has not been reported in the literature in individuals affected with APC2-related conditions. ClinVar contains an entry for this variant (Variation ID: 1331202). Invitae Evidence Modeling of protein sequence and biophysical properties (such as structural, functional, and spatial information, amino acid conservation, physicochemical variation, residue mobility, and thermodynamic stability) indicates that this missense variant is not expected to disrupt APC2 protein function with a negative predictive value of 80%. In summary, the available evidence is currently insufficient to determine the role of this variant in disease. Therefore, it has been classified as a Variant of Uncertain Significance.

GeneDx
Classification: Uncertain significance. Last evaluated: 2021-07-02. Review status: criteria provided, single submitter. Criteria: GeneDx Variant Classification Process June 2021. Collection method: clinical testing. Allele origin: germline. Affected: yes.
Comment: In silico analysis supports that this missense variant does not alter protein structure/function; Has not been previously published as pathogenic or benign to our knowledge; This variant is associated with the following publications: (PMID: 27535533)